The following is an entry in ClinVar:

ClinVar aggregate classification (germline): Conflicting classifications of pathogenicity. Review status: criteria provided, conflicting classifications (1 of 4 stars). 2 submissions from 2 submitters: Likely pathogenic (1); Uncertain significance (1). Last evaluated 2025-06-23.

Conditions:
COL4A3-related disorder. Also called: COL4A3-related condition; COL4A3-Related Disorders.

Submissions (2):

Labcorp Genetics (formerly Invitae), Labcorp
Classification: Uncertain significance. Last evaluated: 2025-06-23. Review status: criteria provided, single submitter. Criteria: Invitae Variant Classification Sherloc (09022015). Collection method: clinical testing. Allele origin: germline.
Comment: This sequence change replaces glycine, which is neutral and non-polar, with arginine, which is basic and polar, at codon 354 of the COL4A3 protein (p.Gly354Arg). This variant is not present in population databases (gnomAD no frequency). This variant has not been reported in the literature in individuals affected with COL4A3-related conditions. ClinVar contains an entry for this variant (Variation ID: 2631809). Invitae Evidence Modeling of protein sequence and biophysical properties (such as structural, functional, and spatial information, amino acid conservation, physicochemical variation, residue mobility, and thermodynamic stability) indicates that this missense variant is expected to disrupt COL4A3 protein function with a positive predictive value of 80%. In summary, the available evidence is currently insufficient to determine the role of this variant in disease. Therefore, it has been classified as a Variant of Uncertain Significance.

PreventionGenetics, part of Exact Sciences
Classification: Likely pathogenic for COL4A3-related condition. Last evaluated: 2023-07-19. Review status: criteria provided, single submitter. Criteria: ACMG Guidelines, 2015. Collection method: clinical testing. Allele origin: germline.
Comment: The COL4A3 c.1060G>A variant is predicted to result in the amino acid substitution p.Gly354Arg. To our knowledge, this variant has not been reported in the literature or in a large population database, indicating this variant is rare. The p.Gly354 residue is located in the conserved triple helical domain, where substitutions of the glycine are usually pathogenic (UniProt residues 43-1438, Hudson et al. 1993. PubMed ID: 8253711). This variant is interpreted as likely pathogenic.

NM_000091.5(COL4A3):c.1060G>A (p.Gly354Arg)

Genes: COL4A3 (collagen type IV alpha 3 chain; plus strand), MFF-DT (MFF divergent transcript; minus strand). Cytogenetic location: 2q36.3.
Variant type: single nucleotide variant.
Coding change: c.1060G>A on transcript NM_000091.5 (MANE Select); coding-DNA position 1060, G replaced by A.
Protein change: p.Gly354Arg; replaces glycine 354 with arginine.
Molecular consequence: missense variant.
Genome position (GRCh38, 1-based): chr2:227,259,823, G>A. VCF-style: chr2-227259823-G-A. GRCh37 (hg19) VCF-style: chr2-228124539-G-A.
Other names: short protein forms G354R.
Identifiers: ClinVar variation 2631809 (VCV002631809.2), dbSNP rs2469607308, ClinGen allele CA350868284.
Genomic context (GRCh38, chr2:227,259,823, plus strand): 5'-TTCTCTGTATTTGTTTCTTTCTCCTCTAAGACAGAATATTATGACACATACCAGGAAAAG[G>A]GAGATGAAGGCACTCCAGGCCCACCAGGGCCCAGAGGAGCTCGTGGCCCACAAGGTAAGA-3'
Protein context (NP_000082.2, residues 344-364): TEYYDTYQEK[Gly354Arg]DEGTPGPPGP